The following is an entry in ClinVar:

ClinVar aggregate classification (germline): Uncertain significance (1 of 4 stars; one submission).

Conditions:
MC4R-related disorder. Also called: MC4R-related condition.

Submission:

PreventionGenetics, part of Exact Sciences
Classification: Uncertain significance for MC4R-related condition. Last evaluated: 2025-03-04. Review status: criteria provided, single submitter. Criteria: ACMG Guidelines, 2015. Collection method: clinical testing. Allele origin: germline.
Comment: The MC4R c.251G>T variant is predicted to result in the amino acid substitution p.Cys84Phe. To our knowledge, this variant has not been reported in the literature or in a large population database, indicating this variant is rare. Of note, a different missense variant affecting this amino acid (p.Cys84Arg) resulting in reduced cell surface expression and decreased cAMP signaling has been reported in an individual with early onset obesity (Hainerova et al. 2007. PubMed ID: 17579204; Fan et al. 2009. PubMed ID: 19298524; He et al. 2014. PubMed ID: 25332687). Although we suspect this variant may be pathogenic, at this time, the clinical significance of this variant is uncertain due to the absence of conclusive functional and genetic evidence.

NM_005912.3(MC4R):c.251G>T (p.Cys84Phe)

Gene: MC4R (melanocortin 4 receptor; minus strand). Cytogenetic location: 18q21.32.
Variant type: single nucleotide variant.
Coding change: c.251G>T on transcript NM_005912.3 (MANE Select); coding-DNA position 251, G replaced by T.
Protein change: p.Cys84Phe; replaces cysteine 84 with phenylalanine.
Molecular consequence: missense variant.
Genome position (GRCh38, 1-based): chr18:60,372,099, C>A on the plus strand (G>T on the coding strand, the complement: MC4R is on the minus strand). VCF-style: chr18-60372099-C-A. GRCh37 (hg19) VCF-style: chr18-58039332-C-A.
Other names: short protein forms C84F.
Identifiers: ClinVar variation 4987130 (VCV004987130.1).